The following is an entry in ClinVar:

ClinVar aggregate classification (germline): Likely benign. Review status: criteria provided, multiple submitters, no conflicts (2 of 4 stars). 3 submissions from 3 submitters: Likely benign (3). Last evaluated 2026-06-06.

Conditions:
Hypertrophic cardiomyopathy. Also called: HYPERTROPHIC MYOCARDIOPATHY. Identifiers: Orphanet 217569, MedGen C0007194, MeSH D002312, MONDO:0005045, HP:0001639.
Cardiovascular phenotype. Identifiers: MedGen CN230736.

Allele frequency attached by ClinVar (database versions not stated): gnomAD exomes below 0.00001.
gnomAD v4.1: 3 of 1,584,864 alleles (0.00019%); highest among the groups gnomAD compares: Middle Eastern, 0.017%; no homozygotes.

Submissions (3):

Ambry Genetics
Classification: Likely benign for Cardiovascular phenotype. Last evaluated: 2026-06-06. Review status: criteria provided, single submitter. Criteria: Ambry Variant Classification Scheme 2023. Collection method: clinical testing. Allele origin: germline.

CeGaT Center for Human Genetics Tuebingen
Classification: Likely benign. Last evaluated: 2024-05-01. Review status: criteria provided, single submitter. Criteria: CeGaT Center For Human Genetics Tuebingen Variant Classification Criteria Version 2. Collection method: clinical testing. Allele origin: germline. Affected: yes. Observed: 1 variant allele.
Comment: MYBPC3: BP4, BP7

All of Us Research Program, National Institutes of Health
Classification: Likely benign for Hypertrophic cardiomyopathy. Last evaluated: 2023-11-20. Review status: criteria provided, single submitter. Criteria: ACMG Guidelines, 2015. Collection method: clinical testing. Allele origin: germline. Inheritance: Autosomal dominant inheritance. Observed: 1 variant allele, 1 heterozygote.
Comment: This study involves interpretation of variants in research participants for the purpose of population health screening. Participant phenotype was not available at the time of variant classification. Additional details can be found in publication PMID: 35346344, PMCID: PMC8962531

NM_000256.3(MYBPC3):c.2934C>T (p.His978=)

Gene: MYBPC3 (myosin binding protein C3; minus strand). Cytogenetic location: 11p11.2.
Variant type: single nucleotide variant.
Coding change: c.2934C>T on transcript NM_000256.3 (MANE Select); coding-DNA position 2934, C replaced by T.
Protein change: p.His978=; no amino-acid change (histidine 978 retained).
Molecular consequence: synonymous variant.
Genome position (GRCh38, 1-based): chr11:47,333,982, G>A on the plus strand (C>T on the coding strand, the complement: MYBPC3 is on the minus strand). VCF-style: chr11-47333982-G-A. GRCh37 (hg19) VCF-style: chr11-47355533-G-A.
Identifiers: ClinVar variation 3074646 (VCV003074646.21), dbSNP rs1307878621, ClinGen allele CA474429212.
Genomic context (GRCh38, chr11:47,333,982, plus strand): 5'-CTGGAAAGGGATGAGAAGGTTCACAGGCTCCCCGACCTTCTTCTGAATGGTCTGGCGCAG[G>A]TGCCTGGGCAGCTGAAGCCGTGGCCGTTCTGTGGGTATAGAGTGGGTAGCTAAGTGAGGG-3'
Protein context (NP_000247.2, residues 968-988): LQRPRLQLPR[His978=]LRQTIQKKVG